The following is an entry in ClinVar:

NM_020949.3(SLC7A14):c.700T>G (p.Phe234Val)

Genes: SLC7A14 (solute carrier family 7 member 14; minus strand), SLC7A14-AS1 (SLC7A14 antisense RNA 1; plus strand). Cytogenetic location: 3q26.2.
Variant type: single nucleotide variant.
Coding change: c.700T>G on transcript NM_020949.3 (MANE Select); coding-DNA position 700, T replaced by G.
Protein change: p.Phe234Val; replaces phenylalanine 234 with valine.
Molecular consequence: missense variant.
Genome position (GRCh38, 1-based): chr3:170,498,726, A>C on the plus strand (T>G on the coding strand, the complement: SLC7A14 is on the minus strand). VCF-style: chr3-170498726-A-C. GRCh37 (hg19) VCF-style: chr3-170216515-A-C.
Other names: c.700T>G (NM_020949.2); short protein forms F234V.
Identifiers: ClinVar variation 1039592 (VCV001039592.10), dbSNP rs1221450358, ClinGen allele CA355514939.

ClinVar aggregate classification (germline): Uncertain significance. Review status: criteria provided, multiple submitters, no conflicts (2 of 4 stars). 3 submissions from 3 submitters: Uncertain significance (3). Last evaluated 2025-12-08.

Allele frequency attached by ClinVar (database versions not stated): gnomAD exomes 0.00001; TOPMed 0.00001.
gnomAD v4.1: 3 of 1,614,218 alleles (0.00019%); highest among the groups gnomAD compares: Admixed American, 0.005%; no homozygotes.

Submissions (3):

Labcorp Genetics (formerly Invitae), Labcorp
Classification: Uncertain significance. Last evaluated: 2025-12-08. Review status: criteria provided, single submitter. Criteria: Invitae Variant Classification Sherloc (09022015). Collection method: clinical testing. Allele origin: germline.
Comment: This sequence change replaces phenylalanine, which is neutral and non-polar, with valine, which is neutral and non-polar, at codon 234 of the SLC7A14 protein (p.Phe234Val). This variant is present in population databases (no rsID available, gnomAD 0.009%). This variant has not been reported in the literature in individuals affected with SLC7A14-related conditions. ClinVar contains an entry for this variant (Variation ID: 1039592). An algorithm developed to predict the effect of missense changes on protein structure and function outputs the following: PolyPhen-2: "Benign". The valine amino acid residue is found in multiple mammalian species, which suggests that this missense change does not adversely affect protein function. In summary, the available evidence is currently insufficient to determine the role of this variant in disease. Therefore, it has been classified as a Variant of Uncertain Significance.

Ambry Genetics
Classification: Uncertain significance. Last evaluated: 2025-08-11. Review status: criteria provided, single submitter. Criteria: Ambry Variant Classification Scheme 2023. Collection method: clinical testing. Allele origin: germline.

Blueprint Genetics
Classification: Uncertain significance. Last evaluated: 2021-11-02. Review status: criteria provided, single submitter. Criteria: ACMG Guidelines, 2015. Collection method: clinical testing. Allele origin: germline.